The following is an entry in ClinVar:

ClinVar aggregate classification (germline): Conflicting classifications of pathogenicity. Review status: criteria provided, conflicting classifications (1 of 4 stars). 2 submissions from 1 submitter: Uncertain significance (1); Benign (1). Last evaluated 2018-01-12.

Conditions:
Amyotrophic lateral sclerosis type 4 (ALS4). Also called: NEURONOPATHY, DISTAL HEREDITARY MOTOR, WITH PYRAMIDAL FEATURES; AMYOTROPHIC LATERAL SCLEROSIS 4, JUVENILE. Identifiers: Orphanet 357043, MedGen C1865409, MONDO:0011223, OMIM 602433.
Spinocerebellar ataxia, autosomal recessive, with axonal neuropathy 2 (SCAN2). Also called: Ataxia-ocular apraxia-2; Ataxia with Oculomotor Apraxia; Ataxia with Oculomotor Apraxia Type 2; ATAXIA-OCULOMOTOR APRAXIA 2. Identifiers: Orphanet 64753, MedGen C1853761, MONDO:0018996, OMIM 606002.

Allele frequency attached by ClinVar (database versions not stated): 1000 Genomes Project 0.00040; gnomAD 0.00044 and 0.00046; 1000 Genomes Project 30x 0.00047; TOPMed 0.00049.

Submissions (2):

Illumina Laboratory Services, Illumina
Classification: Uncertain significance for Spinocerebellar ataxia, autosomal recessive, with axonal neuropathy 2. Last evaluated: 2018-01-12. Review status: criteria provided, single submitter. Criteria: ICSL Variant Classification Criteria 13 December 2019. Collection method: clinical testing. Allele origin: germline.

Illumina Laboratory Services, Illumina
Classification: Benign for Amyotrophic lateral sclerosis type 4. Last evaluated: 2018-01-12. Review status: criteria provided, single submitter. Criteria: ICSL Variant Classification Criteria 13 December 2019. Collection method: clinical testing. Allele origin: germline.
Comment: This variant was observed in the ICSL laboratory as part of a predisposition screen in an ostensibly healthy population. It had not been previously curated by ICSL or reported in the Human Gene Mutation Database (HGMD: prior to June 1st, 2018), and was therefore a candidate for classification through an automated scoring system. Utilizing variant allele frequency, disease prevalence and penetrance estimates, and inheritance mode, an automated score was calculated to assess if this variant is too frequent to cause the disease. Based on the score and internal cut-off values, a variant classified as benign is not then subjected to further curation. The score for this variant resulted in a classification of benign for this disease.

NM_015046.7(SETX):c.*1803G>A

Gene: SETX (senataxin; minus strand). Cytogenetic location: 9q34.13.
Variant type: single nucleotide variant.
Coding change: c.*1803G>A on transcript NM_015046.7 (MANE Select); 1803 bases downstream of the stop codon, G replaced by A.
Molecular consequence: 3 prime UTR variant.
Genome position (GRCh38, 1-based): chr9:132,262,436, C>T on the plus strand (G>A on the coding strand, the complement: SETX is on the minus strand). VCF-style: chr9-132262436-C-T. GRCh37 (hg19) VCF-style: chr9-135137823-C-T.
Other names: c.*1803G>A (NM_001351527.2, NM_001351528.2).
Identifiers: ClinVar variation 914945 (VCV000914945.4), dbSNP rs556145432, ClinGen allele CA200792649.